The following is an entry in ClinVar:

NM_006662.3(SRCAP):c.9223G>A (p.Gly3075Arg)

Gene: SRCAP (Snf2 related CREBBP activator protein; plus strand). Cytogenetic location: 16p11.2.
Variant type: single nucleotide variant.
Coding change: c.9223G>A on transcript NM_006662.3 (MANE Select); coding-DNA position 9223, G replaced by A.
Protein change: p.Gly3075Arg; replaces glycine 3075 with arginine.
Molecular consequence: missense variant.
Genome position (GRCh38, 1-based): chr16:30,739,263, G>A. VCF-style: chr16-30739263-G-A. GRCh37 (hg19) VCF-style: chr16-30750584-G-A.
Other names: short protein forms G3075R.
Identifiers: ClinVar variation 3580255 (VCV003580255.2).

ClinVar aggregate classification (germline): Uncertain significance. Review status: criteria provided, multiple submitters, no conflicts (2 of 4 stars). 2 submissions from 2 submitters: Uncertain significance (2). Last evaluated 2025-05-22.

Conditions:
Developmental delay, hypotonia, musculoskeletal defects, and behavioral abnormalities. Identifiers: MedGen C5562012, MONDO:0859202, OMIM 619595.
Floating-Harbor syndrome (FLHS). Also called: SRCAP-Related Floating-Harbor Syndrome; Short stature with delayed bone age, expressive language delay, a triangular face with a prominent nose and deep-set eyes; Pelletier-Leisti syndrome. Identifiers: Orphanet 2044, MedGen C0729582, MONDO:0007621, OMIM 136140.

gnomAD v4.1: 23 of 1,613,838 alleles (0.0014%); highest among the groups gnomAD compares: Non-Finnish European, 0.0019%; no homozygotes.

Submissions (2):

Labcorp Genetics (formerly Invitae), Labcorp
Classification: Uncertain significance. Last evaluated: 2025-05-22. Review status: criteria provided, single submitter. Criteria: Invitae Variant Classification Sherloc (09022015). Collection method: clinical testing. Allele origin: germline.
Comment: This sequence change replaces glycine, which is neutral and non-polar, with arginine, which is basic and polar, at codon 3075 of the SRCAP protein (p.Gly3075Arg). This variant is present in population databases (no rsID available, gnomAD 0.007%). This variant has not been reported in the literature in individuals affected with SRCAP-related conditions. ClinVar contains an entry for this variant (Variation ID: 3580255). Invitae Evidence Modeling of protein sequence and biophysical properties (such as structural, functional, and spatial information, amino acid conservation, physicochemical variation, residue mobility, and thermodynamic stability) has been performed for this missense variant. However, the output from this modeling did not meet the statistical confidence thresholds required to predict the impact of this variant on SRCAP protein function. In summary, the available evidence is currently insufficient to determine the role of this variant in disease. Therefore, it has been classified as a Variant of Uncertain Significance.

Fulgent Genetics
Classification: Uncertain significance for Floating-Harbor syndrome; Developmental delay, hypotonia, musculoskeletal defects, and behavioral abnormalities. Last evaluated: 2024-04-27. Review status: criteria provided, single submitter. Criteria: ACMG Guidelines, 2015. Collection method: clinical testing. Allele origin: germline.